The following is an entry in ClinVar:

ClinVar aggregate classification (germline): Pathogenic (1 of 4 stars; one submission).

Conditions:
8q24.3 microdeletion syndrome. Also called: CHROMOSOME 8q24.3 DELETION SYNDROME; Verheij syndrome. Identifiers: Orphanet 508488, MedGen C3810023, MONDO:0014263, OMIM 615583.

Submission:

Victorian Clinical Genetics Services, Murdoch Childrens Research Institute
Classification: Pathogenic for 8q24.3 microdeletion syndrome. Last evaluated: 2022-02-02. Review status: criteria provided, single submitter. Criteria: ACMG Guidelines, 2015. Collection method: clinical testing. Allele origin: germline. Inheritance: Autosomal dominant inheritance.
Comment: Based on the classification scheme VCGS_Germline_v1.3.4, this variant is classified as Pathogenic. Following criteria are met: 0102 - Loss of function is a known mechanism of disease in this gene and is associated with Verheij syndrome (MIM#615583). (I) 0107 - This gene is associated with autosomal dominant disease. (I) 0201 - Variant is predicted to cause nonsense-mediated decay (NMD) and loss of protein (premature termination codon is located at least 54 nucleotides upstream of the final exon-exon junction). (SP) 0251 - This variant is heterozygous. (I) 0301 - Variant is absent from gnomAD (both v2 and v3). (SP) 0701 - Other NMD-predicted variants comparable to the one identified in this case have very strong previous evidence for pathogenicity. Variants predicted to result in NMD have been reported in affected individuals, typically de novo, in ClinVar and the literature (PMID: 28327570). (SP) 0807 - This variant has no previous evidence of pathogenicity. (I) 0905 - No published segregation evidence has been identified for this variant. (I) 1007 - No published functional evidence has been identified for this variant. (SP) Legend: (SP) - Supporting pathogenic, (I) - Information, (SB) - Supporting benign

Literature cited by the submitters: PubMed 28327570.

NM_078480.3(PUF60):c.1154_1166del (p.Pro385fs)

Gene: PUF60 (poly(U) binding splicing factor 60; minus strand). Cytogenetic location: 8q24.3.
Variant type: Deletion.
Coding change: c.1154_1166del on transcript NM_078480.3 (MANE Select); coding-DNA positions 1154 to 1166, 13 bases deleted (CAGCCCGTCCTCC).
Protein change: p.Pro385fs; shifts the reading frame from proline 385.
Molecular consequence: frameshift variant.
Genome position (GRCh38, 1-based): chr8:143,817,124-143,817,136, GGAGGACGGGCTG deleted on the plus strand (CAGCCCGTCCTCC on the coding strand, the reverse complement: PUF60 is on the minus strand); deleting any 13 consecutive bases within chr8:143,817,124-143,817,138 gives the same sequence; the c. name uses the placement nearest the transcript's 3' end. VCF-style (leftmost placement, unchanged base first): chr8-143817123-AGGAGGACGGGCTG-A. GRCh37 (hg19) VCF-style: chr8-144899293-AGGAGGACGGGCTG-A.
Other names: c.1025_1037del, p.Pro342fs (NM_001136033.3); c.1100_1112del, p.Pro367fs (NM_001271096.2); c.1016_1028del, p.Pro339fs (NM_001271097.2); c.1151_1163del, p.Pro384fs (NM_001271098.2); c.1067_1079del, p.Pro356fs (NM_001271099.2); c.974_986del, p.Pro325fs (NM_001271100.2); c.1265_1277del, p.Pro422fs (NM_001362895.2, NM_001362896.2); c.1214_1226del, p.Pro405fs (NM_001362897.2); and 1 more; short protein forms P325fs, P339fs, P342fs, P356fs, P367fs, P368fs, P384fs, P385fs.
Identifiers: ClinVar variation 1333184 (VCV001333184.4), dbSNP rs2130223089, ClinGen allele CA2573052983.